The following is an entry in ClinVar:

NM_001243133.2(NLRP3):c.139G>T (p.Ala47Ser)

Gene: NLRP3 (NLR family pyrin domain containing 3; plus strand). Cytogenetic location: 1q44.
Variant type: single nucleotide variant.
Coding change: c.139G>T on transcript NM_001243133.2 (MANE Select); coding-DNA position 139, G replaced by T.
Protein change: p.Ala47Ser; replaces alanine 47 with serine.
Molecular consequence: missense variant.
Genome position (GRCh38, 1-based): chr1:247,418,939, G>T. VCF-style: chr1-247418939-G-T. GRCh37 (hg19) VCF-style: chr1-247582241-G-T.
Other names: c.139G>T, p.Ala47Ser (NM_001079821.3, NM_001127461.3, NM_001127462.3 and 1 more transcripts); c.145G>T, p.Ala49Ser (NM_004895.5); short protein forms A47S, A49S.
Identifiers: ClinVar variation 1061222 (VCV001061222.9), dbSNP rs1467336862, ClinGen allele CA345552420.

ClinVar aggregate classification (germline): Uncertain significance (1 of 4 stars; one submission).

Conditions:
Cryopyrin associated periodic syndrome (CAPS). Identifiers: Orphanet 208650, MedGen C2316212, MONDO:0016168.

Allele frequency attached by ClinVar (database versions not stated): gnomAD 0.00001; gnomAD exomes 0.00001 and 0.00002.
gnomAD v4.1: 13 of 1,614,018 alleles (0.00081%); highest among the groups gnomAD compares: South Asian, 0.014%; no homozygotes.

Submission:

Labcorp Genetics (formerly Invitae), Labcorp
Classification: Uncertain significance for Cryopyrin associated periodic syndrome. Last evaluated: 2023-11-03. Review status: criteria provided, single submitter. Criteria: Invitae Variant Classification Sherloc (09022015). Collection method: clinical testing. Allele origin: germline.
Comment: This sequence change replaces alanine, which is neutral and non-polar, with serine, which is neutral and polar, at codon 49 of the NLRP3 protein (p.Ala49Ser). This variant is present in population databases (no rsID available, gnomAD 0.006%). This variant has not been reported in the literature in individuals affected with NLRP3-related conditions. ClinVar contains an entry for this variant (Variation ID: 1061222). Advanced modeling of protein sequence and biophysical properties (such as structural, functional, and spatial information, amino acid conservation, physicochemical variation, residue mobility, and thermodynamic stability) has been performed at Invitae for this missense variant, however the output from this modeling did not meet the statistical confidence thresholds required to predict the impact of this variant on NLRP3 protein function. In summary, the available evidence is currently insufficient to determine the role of this variant in disease. Therefore, it has been classified as a Variant of Uncertain Significance.